The following is an entry in ClinVar:

ClinVar aggregate classification (germline): Likely pathogenic (1 of 4 stars; one submission).

Conditions:
Developmental and epileptic encephalopathy, 59. Also called: Early infantile epileptic encephalopathy 59. Identifiers: MedGen C4693550, MONDO:0033368, OMIM 617904.

Submission:

Pittsburgh Clinical Genomics Laboratory, University of Pittsburgh Medical Center
Classification: Likely pathogenic for Developmental and epileptic encephalopathy, 59. Last evaluated: 2024-02-27. Review status: criteria provided, single submitter. Criteria: ACMG Guidelines, 2015. Collection method: clinical testing. Allele origin: germline. Inheritance: Autosomal dominant inheritance. Affected: yes.
Comment: This sequence variant is a single nucleotide substitution (G>A) at position 2029 of the coding sequence of the GABBR2 gene that results in a glutamic acid to lysine amino acid change at residue 677 of the gamma-aminobutyric acid type B receptor subunit 2 protein. The 677 residue falls within the cytoplasmic region of the protein between the fifth and sixth transmembrane domains (UniProt). This is a novel, de novo variant that is absent from ClinVar and has not been observed in individuals affected by a GABBR2-related disorder in the published literature, to our knowledge. This variant is absent from the gnomAD v4.0.0 population database (0/~1,461,000 alleles). Multiple bioinformatic tools predict that this amino acid change would be damaging, and the Glu677 residue at this position is highly conserved across the vertebrate species examined. Studies examining the functional consequence of this variant have not been published, to our knowledge. Based upon the evidence, we consider this variant to be likely pathogenic. ACMG Criteria: PM2, PP3, PS2

NM_005458.8(GABBR2):c.2029G>A (p.Glu677Lys)

Gene: GABBR2 (gamma-aminobutyric acid type B receptor subunit 2; minus strand). Cytogenetic location: 9q22.33.
Variant type: single nucleotide variant.
Coding change: c.2029G>A on transcript NM_005458.8 (MANE Select); coding-DNA position 2029, G replaced by A.
Protein change: p.Glu677Lys; replaces glutamic acid 677 with lysine.
Molecular consequence: missense variant.
Genome position (GRCh38, 1-based): chr9:98,306,321, C>T on the plus strand (G>A on the coding strand, the complement: GABBR2 is on the minus strand). VCF-style: chr9-98306321-C-T. GRCh37 (hg19) VCF-style: chr9-101068603-C-T.
Other names: short protein forms E677K.
Identifiers: ClinVar variation 3376344 (VCV003376344.1).